The following is an entry in ClinVar:

ClinVar aggregate classification (germline): Uncertain significance (1 of 4 stars; one submission).

Conditions:
Primary ciliary dyskinesia. Also called: Ciliary dyskinesia. Identifiers: Orphanet 244, MedGen C0008780, MONDO:0016575, HP:0012265.

gnomAD v4.1: 2 of 855,513 alleles (0.00023%); highest among the groups gnomAD compares: African/African-American, 0.0028%; no homozygotes.

Submission:

Labcorp Genetics (formerly Invitae), Labcorp
Classification: Uncertain significance for Primary ciliary dyskinesia. Last evaluated: 2025-12-28. Review status: criteria provided, single submitter. Criteria: Invitae Variant Classification Sherloc (09022015). Collection method: clinical testing. Allele origin: germline.
Comment: This sequence change replaces glycine, which is neutral and non-polar, with glutamic acid, which is acidic and polar, at codon 1005 of the RPGR (ORF15) protein (p.Gly1005Glu). The frequency data for this variant in the population databases is considered unreliable, as metrics indicate poor data quality at this position in the gnomAD database. This variant has not been reported in the literature in individuals affected with RPGR (ORF15)-related conditions. Invitae Evidence Modeling of protein sequence and biophysical properties (such as structural, functional, and spatial information, amino acid conservation, physicochemical variation, residue mobility, and thermodynamic stability) indicates that this missense variant is not expected to disrupt RPGR (ORF15) protein function with a negative predictive value of 95%. In summary, the available evidence is currently insufficient to determine the role of this variant in disease. Therefore, it has been classified as a Variant of Uncertain Significance.

NM_001034853.2(RPGR):c.3014G>A (p.Gly1005Glu)

Gene: RPGR (retinitis pigmentosa GTPase regulator; minus strand). Cytogenetic location: Xp11.4.
Variant type: single nucleotide variant.
Coding change: c.3014G>A on transcript NM_001034853.2 (MANE Select); coding-DNA position 3014, G replaced by A.
Protein change: p.Gly1005Glu; replaces glycine 1005 with glutamic acid.
Molecular consequence: missense variant. On other transcripts: intron variant (8).
Genome position (GRCh38, 1-based): chrX:38,285,985, C>T on the plus strand (G>A on the coding strand, the complement: RPGR is on the minus strand). VCF-style: chrX-38285985-C-T. GRCh37 (hg19) VCF-style: chrX-38145238-C-T.
Other names: c.1902+1109G>A (NM_001367245.1); c.1386+4974G>A (NM_001367251.1); c.1719+1109G>A (NM_001367246.1); c.1572+4974G>A (NM_001367247.1); c.1905+1109G>A (NM_000328.3); c.1602+4974G>A (NM_001367248.1); c.1569+4974G>A (NM_001367249.1, NM_001367250.1); short protein forms G1005E.
Identifiers: ClinVar variation 4709030 (VCV004709030.1).